The following is an entry in ClinVar:

ClinVar aggregate classification (germline): Likely benign. Review status: reviewed by expert panel (3 of 4 stars). 2 submissions from 2 submitters: Likely benign (1). 1 of the submissions does not count toward it. Last evaluated 2024-06-24.

Conditions:
Hereditary thrombocytopenia and hematological cancer predisposition syndrome associated with RUNX1. Also called: PLATELET DISORDER, ASPIRIN-LIKE; Familial Platelet Disorder with Propensity to Acute Myelogenous Leukemia; Familial thrombocytopenia with propensity to acute myelogenous leukemia; RUNX1 Familial Platelet Disorder with Associated Myeloid Malignancies. Identifiers: Orphanet 71290, MedGen C1832388, MeSH C563324, MONDO:0100083, OMIM 601399.
Hereditary thrombocytopenia and hematologic cancer predisposition syndrome. Identifiers: Orphanet 71290, MedGen CN281654, MONDO:0011071.

Submissions (2):

ClinGen Myeloid Malignancy Variant Curation Expert Panel
Classification: Likely benign for Hereditary thrombocytopenia and hematologic cancer predisposition syndrome. Last evaluated: 2024-06-24. Review status: reviewed by expert panel. Criteria: ClinGen MyeloMalig ACMG Specifications v2. Collection method: curation. Allele origin: germline. Inheritance: Autosomal dominant inheritance.
Comment: Synonymous variant (no REVEL score applicable) with SpliceAI score ≤ 0.20 (0.01) (BP4). Evolutionary conservation prediction algorithms predict the site as not being conserved (PhyloP score -0.879 (< 2.0)) (BP7). This variant is completely absent from all population databases with at least 20x coverage for RUNX1 (PM2_supporting). In summary, this variant meets criteria to be classified as likely benign. ACMG/AMP criteria applied, as specified by the Myeloid Malignancy Variant Curation Expert Panel for RUNX1: BP4, BP7, PM2_supporting.

Labcorp Genetics (formerly Invitae), Labcorp
Classification: Likely benign for Hereditary thrombocytopenia and hematological cancer predisposition syndrome associated with RUNX1. Last evaluated: 2018-09-26. Review status: criteria provided, single submitter. Criteria: Invitae Variant Classification Sherloc (09022015). Collection method: clinical testing. Allele origin: germline. Not counted in ClinVar's aggregate classification.

NM_001754.5(RUNX1):c.831A>C (p.Pro277=)

Gene: RUNX1 (RUNX family transcription factor 1; minus strand). Cytogenetic location: 21q22.12.
Variant type: single nucleotide variant.
Coding change: c.831A>C on transcript NM_001754.5 (MANE Select); coding-DNA position 831, A replaced by C.
Protein change: p.Pro277=; no amino-acid change (proline 277 retained).
Molecular consequence: synonymous variant.
Genome position (GRCh38, 1-based): chr21:34,799,437, T>G on the plus strand (A>C on the coding strand, the complement: RUNX1 is on the minus strand). VCF-style: chr21-34799437-T-G. GRCh37 (hg19) VCF-style: chr21-36171734-T-G.
Other names: NM_001754.5(RUNX1):c.831A>C; p.Pro277=; c.750A>C, p.Pro250= (NM_001001890.3).
Identifiers: ClinVar variation 754535 (VCV000754535.10), dbSNP rs1601348386, ClinGen allele CA512232276.